The following is an entry in ClinVar:

ClinVar aggregate classification (germline): Likely benign (1 of 4 stars; one submission).

Conditions:
SLCO1B3-related disorder. Also called: SLCO1B3-related condition.

Submission:

PreventionGenetics, part of Exact Sciences
Classification: Likely benign for SLCO1B3-related condition. Last evaluated: 2025-09-25. Review status: criteria provided, single submitter. Criteria: ACMG Guidelines, 2015. Collection method: clinical testing. Allele origin: germline.
Comment: This variant is classified as likely benign based on ACMG/AMP sequence variant interpretation guidelines (Richards et al. 2015 PMID: 25741868, with internal and published modifications).

NM_019844.4(SLCO1B3):c.1444C>T (p.Leu482=)

Genes: SLCO1B3 (solute carrier organic anion transporter family member 1B3; plus strand), SLCO1B3-SLCO1B7 (SLCO1B3-SLCO1B7 readthrough; plus strand). Cytogenetic location: 12p12.2.
Variant type: single nucleotide variant.
Coding change: c.1444C>T on transcript NM_019844.4 (MANE Select); coding-DNA position 1444, C replaced by T.
Protein change: p.Leu482=; no amino-acid change (leucine 482 retained).
Molecular consequence: synonymous variant.
Genome position (GRCh38, 1-based): chr12:20,880,967, C>T. VCF-style: chr12-20880967-C-T. GRCh37 (hg19) VCF-style: chr12-21033901-C-T.
Other names: c.1444C>T, p.Leu482= (NM_001371097.1); c.1360C>T, p.Leu454= (NM_001349920.2).
Identifiers: ClinVar variation 4977849 (VCV004977849.1).